The following is an entry in ClinVar:

ClinVar aggregate classification (germline): Pathogenic (1 of 4 stars; one submission).

Conditions:
Lynch syndrome 5 (LYNCH5). Also called: Colorectal cancer, hereditary nonpolyposis, type 5; Hereditary non-polyposis colorectal cancer, type 5. Identifiers: Orphanet 144, MedGen C1833477, MONDO:0013710, OMIM 614350. Disease mechanism: loss of function.

Submission:

Myriad Genetics, Inc.
Classification: Pathogenic for Lynch syndrome 5. Last evaluated: 2025-04-04. Review status: criteria provided, single submitter. Criteria: Myriad Autosomal Dominant, Autosomal Recessive and X-Linked Classification Criteria (2023). Collection method: clinical testing. Allele origin: unknown.
Comment: This variant is considered pathogenic. This variant creates a termination codon and is predicted to result in premature protein truncation.

NM_000179.3(MSH6):c.3086T>A (p.Leu1029Ter)

Gene: MSH6 (mutS homolog 6; plus strand). Cytogenetic location: 2p16.3.
Variant type: single nucleotide variant.
Coding change: c.3086T>A on transcript NM_000179.3 (MANE Select); coding-DNA position 3086, T replaced by A.
Protein change: p.Leu1029Ter; replaces leucine 1029 with a stop codon.
Molecular consequence: nonsense. On other transcripts: non-coding transcript variant (5), intron variant (2).
Genome position (GRCh38, 1-based): chr2:47,801,069, T>A. VCF-style: chr2-47801069-T-A. GRCh37 (hg19) VCF-style: chr2-48028208-T-A.
Other names: c.2696T>A, p.Leu899Ter (NM_001281492.2); c.2180T>A, p.Leu727Ter (NM_001281493.2, NM_001281494.2, NM_001406811.1 and 6 more transcripts); c.3182T>A, p.Leu1061Ter (NM_001406795.1, NM_001406802.1); c.3086T>A, p.Leu1029Ter (NM_001406796.1, NM_001406798.1, NM_001406800.1 and 2 more transcripts); c.2789T>A, p.Leu930Ter (NM_001406797.1, NM_001406801.1, NM_001406805.1 and 10 more transcripts); c.2561T>A, p.Leu854Ter (NM_001406799.1, NM_001406806.1, NM_001406807.1); c.3008T>A, p.Leu1003Ter (NM_001406804.1); c.3092T>A, p.Leu1031Ter (NM_001406813.1); and 4 more; short protein forms L1003*, L1029*, L1031*, L1061*, L344*, L727*, L854*, L899*.
Identifiers: ClinVar variation 4071362 (VCV004071362.1).